The following is an entry in ClinVar:

NM_015378.4(VPS13D):c.5903G>A (p.Ser1968Asn)

Gene: VPS13D (vacuolar protein sorting 13 homolog D; plus strand). Cytogenetic location: 1p36.22.
Variant type: single nucleotide variant.
Coding change: c.5903G>A on transcript NM_015378.4 (MANE Select); coding-DNA position 5903, G replaced by A.
Protein change: p.Ser1968Asn; replaces serine 1968 with asparagine.
Molecular consequence: missense variant.
Genome position (GRCh38, 1-based): chr1:12,293,574, G>A. VCF-style: chr1-12293574-G-A. GRCh37 (hg19) VCF-style: chr1-12353631-G-A.
Other names: p.Ser1968Asn; c.5903G>A, p.Ser1968Asn (NM_018156.4); short protein forms S1968N.
Identifiers: ClinVar variation 3380865 (VCV003380865.1).

ClinVar aggregate classification (germline): Uncertain significance (1 of 4 stars; one submission).

Submission:

Mayo Clinic Laboratories, Mayo Clinic
Classification: Uncertain significance. Last evaluated: 2023-10-19. Review status: criteria provided, single submitter. Criteria: ACMG Guidelines, 2015. Collection method: clinical testing. Allele origin: germline. Observed: 1 variant allele.
Comment: BP4